The following is an entry in ClinVar:

NM_004006.3(DMD):c.2122C>A (p.Pro708Thr)

Gene: DMD (dystrophin; minus strand). Cytogenetic location: Xp21.1.
Variant type: single nucleotide variant.
Coding change: c.2122C>A on transcript NM_004006.3 (MANE Select); coding-DNA position 2122, C replaced by A.
Protein change: p.Pro708Thr; replaces proline 708 with threonine.
Molecular consequence: missense variant.
Genome position (GRCh38, 1-based): chrX:32,545,205, G>T on the plus strand (C>A on the coding strand, the complement: DMD is on the minus strand). VCF-style: chrX-32545205-G-T. GRCh37 (hg19) VCF-style: chrX-32563322-G-T.
Other names: c.2098C>A, p.Pro700Thr (NM_000109.4); c.2110C>A, p.Pro704Thr (NM_004009.3); c.1753C>A, p.Pro585Thr (NM_004010.3); short protein forms P700T, P708T, P585T, P704T.
Identifiers: ClinVar variation 1970421 (VCV001970421.2), dbSNP rs957976211, ClinGen allele CA328025230.

ClinVar aggregate classification (germline): Uncertain significance (1 of 4 stars; one submission).

Conditions:
Duchenne muscular dystrophy (DMD). Also called: MUSCULAR DYSTROPHY, PSEUDOHYPERTROPHIC PROGRESSIVE, DUCHENNE TYPE; Duchenne Muscular Dystrophy (DMD). Identifiers: Orphanet 98896, MedGen C0013264, MONDO:0010679, OMIM 310200.

Submission:

Labcorp Genetics (formerly Invitae), Labcorp
Classification: Uncertain significance for Duchenne muscular dystrophy. Last evaluated: 2022-08-08. Review status: criteria provided, single submitter. Criteria: Invitae Variant Classification Sherloc (09022015). Collection method: clinical testing. Allele origin: germline.
Comment: This sequence change replaces proline, which is neutral and non-polar, with threonine, which is neutral and polar, at codon 708 of the DMD protein (p.Pro708Thr). This variant is not present in population databases (gnomAD no frequency). This variant has not been reported in the literature in individuals affected with DMD-related conditions. Algorithms developed to predict the effect of missense changes on protein structure and function are either unavailable or do not agree on the potential impact of this missense change (SIFT: "Tolerated"; PolyPhen-2: "Probably Damaging"; Align-GVGD: "Class C0"). In summary, the available evidence is currently insufficient to determine the role of this variant in disease. Therefore, it has been classified as a Variant of Uncertain Significance.